The following is an entry in ClinVar:

ClinVar aggregate classification (germline): Likely benign. Review status: criteria provided, multiple submitters, no conflicts (2 of 4 stars). 2 submissions from 2 submitters: Likely benign (2). Last evaluated 2026-09-01.

Allele frequency attached by ClinVar (database versions not stated): 1000 Genomes Project 0.00120; 1000 Genomes Project 30x 0.00125; TOPMed 0.00265.
gnomAD v4.1: 1,297 of 398,392 alleles (0.33%); highest among the groups gnomAD compares: Non-Finnish European, 0.44%; 5 homozygotes.

Submissions (2):

CeGaT Center for Human Genetics Tuebingen
Classification: Likely benign. Last evaluated: 2026-09-01. Review status: criteria provided, single submitter. Criteria: CeGaT Center For Human Genetics Tuebingen Variant Classification Criteria Version 2. Collection method: clinical testing. Allele origin: germline. Affected: yes. Observed: 61 variant alleles.
Comment: KCNQ1: BS2

Blueprint Genetics
Classification: Likely benign. Last evaluated: 2024-11-25. Review status: criteria provided, single submitter. Criteria: ACMG Guidelines, 2015. Collection method: clinical testing. Allele origin: germline.

NM_000218.3(KCNQ1):c.1394-33374G>A

Genes: KCNQ1 (potassium voltage-gated channel subfamily Q member 1; plus strand), KCNQ1OT1 (KCNQ1 opposite strand/antisense transcript 1; minus strand). Cytogenetic location: 11p15.5.
Variant type: single nucleotide variant.
Coding change: c.1394-33374G>A on transcript NM_000218.3 (MANE Select); 33374 bases into the intron before coding-DNA position 1394, G replaced by A.
Molecular consequence: intron variant.
Genome position (GRCh38, 1-based): chr11:2,628,587, G>A. VCF-style: chr11-2628587-G-A. GRCh37 (hg19) VCF-style: chr11-2649817-G-A.
Other names: c.1124-33374G>A (NM_001406837.1); c.1298-33374G>A (NM_001406836.1); c.854-33374G>A (NM_001406838.1); c.1013-33374G>A (NM_181798.2).
Identifiers: ClinVar variation 1694597 (VCV001694597.32), dbSNP rs72850246, ClinGen allele CA216143118.